The following is an entry in ClinVar:

ClinVar aggregate classification (germline): Likely pathogenic (1 of 4 stars; one submission).

Conditions:
Polycystic kidney disease, adult type (PKD1). Also called: Polycystic Kidney Disease 1, Autosomal Dominant; Polycystic kidney disease 1; Polycystic kidney disease 1, severe; Polycystic Kidney, Autosomal Dominant; POLYCYSTIC KIDNEY DISEASE 1 WITH OR WITHOUT POLYCYSTIC LIVER DISEASE; POLYCYSTIC KIDNEY DISEASE, ADULT, TYPE I. Identifiers: MedGen C3149841, MONDO:0008263, OMIM 173900.

Submission:

Department of Human Genetics, Hannover Medical School
Classification: Likely pathogenic for Polycystic kidney disease, adult type. Last evaluated: 2022-09-30. Review status: criteria provided, single submitter. Criteria: ACMG Guidelines, 2015. Collection method: clinical testing. Allele origin: germline. Affected: yes.
Comment: This change leads to a premature stop signal in exon 15, which most likely results in the degradation of the formed mRNA via nonsense-mediated mRNA decay (NMD) and/or the expression of a truncated protein. This variant has not been listed in the LOVD shared and ClinVar databases to date. The variant has not yet been detected in the normal population (population database gnomAD). Literature data are currently not available.

NM_001009944.3(PKD1):c.3777_3778del (p.Val1260fs)

Gene: PKD1 (polycystin 1, transient receptor potential channel interacting; minus strand). Cytogenetic location: 16p13.3.
Variant type: Deletion.
Coding change: c.3777_3778del on transcript NM_001009944.3 (MANE Select); coding-DNA positions 3777 to 3778, 2 bases deleted (AG; older notation c.3777_3778delAG).
Protein change: p.Val1260fs; shifts the reading frame from valine 1260.
Molecular consequence: frameshift variant.
Genome position (GRCh38, 1-based): chr16:2,111,389-2,111,390, CT deleted on the plus strand (AG on the coding strand, the reverse complement: PKD1 is on the minus strand). VCF-style (leftmost placement, unchanged base first): chr16-2111388-ACT-A. GRCh37 (hg19) VCF-style: chr16-2161389-ACT-A.
Other names: c.3777_3778del, p.Val1260fs (NM_000296.4); short protein forms V1260fs.
Identifiers: ClinVar variation 1707482 (VCV001707482.1), dbSNP rs2544827855, ClinGen allele CA2580090973.